The following is an entry in ClinVar:

NC_000011.9:g.(?_20621219)_(20676414_?)dup

Gene: SLC6A5 (solute carrier family 6 member 5; plus strand). Cytogenetic location: 11p15.1.
Variant type: Duplication.
Identifiers: ClinVar variation 3244669 (VCV003244669.1).

ClinVar aggregate classification (germline): Uncertain significance (1 of 4 stars; one submission).

Conditions:
Hyperekplexia 3 (HKPX3). Also called: HYPEREKPLEXIA 3, AUTOSOMAL RECESSIVE; HYPEREKPLEXIA 3, AUTOSOMAL DOMINANT. Identifiers: Orphanet 3197, MedGen C3553288, MONDO:0013827, OMIM 614618.

Submission:

Labcorp Genetics (formerly Invitae), Labcorp
Classification: Uncertain significance for Hyperekplexia 3. Last evaluated: 2022-04-09. Review status: criteria provided, single submitter. Criteria: Invitae Variant Classification Sherloc (09022015). Collection method: clinical testing. Allele origin: unknown.
Comment: A copy number gain of the genomic region encompassing the full coding sequence of the SLC6A5 gene has been identified. The boundaries of this event are unknown as they extend beyond the assayed region for this gene and therefore may encompass additional genes. As the precise location of this event is unknown, it may be in tandem or it may be located elsewhere in the genome. This variant has not been reported in the literature in individuals affected with SLC6A5-related conditions. In summary, the available evidence is currently insufficient to determine the role of this variant in disease. Therefore, it has been classified as a Variant of Uncertain Significance.